The following is an entry in ClinVar:

ClinVar aggregate classification (germline): Likely benign. Review status: criteria provided, single submitter (1 of 4 stars). 2 submissions from 2 submitters: Likely benign (1). 1 of the submissions does not count toward it. Last evaluated 2022-06-14.

Conditions:
SNX14-related disorder. Also called: SNX14-related condition.

Allele frequency attached by ClinVar (database versions not stated): 1000 Genomes Project 30x 0.00016; 1000 Genomes Project 0.00020; gnomAD 0.00009; TOPMed 0.00010; ESP Exome Variant Server 0.00038; gnomAD exomes 0.00011 and 0.00021; ExAC 0.00010.
gnomAD v4.1: 316 of 1,613,562 alleles (0.02%); highest among the groups gnomAD compares: Non-Finnish European, 0.026%; no homozygotes.

Submissions (2):

Labcorp Genetics (formerly Invitae), Labcorp
Classification: Likely benign. Last evaluated: 2022-06-14. Review status: criteria provided, single submitter. Criteria: Invitae Variant Classification Sherloc (09022015). Collection method: clinical testing. Allele origin: germline.

PreventionGenetics, part of Exact Sciences
Classification: Likely benign for SNX14-related condition. Last evaluated: 2019-06-07. Review status: no assertion criteria provided. Collection method: clinical testing. Allele origin: germline. Not counted in ClinVar's aggregate classification.
Comment: This variant is classified as likely benign based on ACMG/AMP sequence variant interpretation guidelines (Richards et al. 2015 PMID: 25741868, with internal and published modifications).

NM_153816.6(SNX14):c.99C>T (p.Phe33=)

Gene: SNX14 (sorting nexin 14; minus strand). Cytogenetic location: 6q14.3.
Variant type: single nucleotide variant.
Coding change: c.99C>T on transcript NM_153816.6 (MANE Select); coding-DNA position 99, C replaced by T.
Protein change: p.Phe33=; no amino-acid change (phenylalanine 33 retained).
Molecular consequence: synonymous variant. On other transcripts: 5 prime UTR variant (5), non-coding transcript variant (4), intron variant (9).
Genome position (GRCh38, 1-based): chr6:85,593,620, G>A on the plus strand (C>T on the coding strand, the complement: SNX14 is on the minus strand). VCF-style: chr6-85593620-G-A. GRCh37 (hg19) VCF-style: chr6-86303338-G-A.
Other names: c.99C>T, p.Phe33= (NM_001297614.3, NM_001350532.2, NM_001350533.2 and 8 more transcripts); c.-302C>T (NM_001350545.2); c.-921C>T (NM_001350548.2); c.-1053C>T (NM_001350550.2); c.-968C>T (NM_001350551.2); c.-1085C>T (NM_001350552.2); c.-17+214C>T (NM_001350543.2, NM_001350539.2, NM_001350542.2 and 2 more transcripts); c.-261+214C>T (NM_001350546.2); and 2 more.
Identifiers: ClinVar variation 736179 (VCV000736179.10), dbSNP rs150418648, ClinGen allele CA3912562.